The following is an entry in ClinVar:

ClinVar aggregate classification (germline): Pathogenic/Likely pathogenic. Review status: criteria provided, multiple submitters, no conflicts (2 of 4 stars). 4 submissions from 4 submitters: Pathogenic (2); Likely pathogenic (2). Last evaluated 2026-03-17.

Conditions:
GPR143-related disorder. Also called: GPR143-related condition.
GPR143-related disorders.

Allele frequency attached by ClinVar (database versions not stated): gnomAD exomes below 0.00001.
gnomAD v4.1: 1 of 1,198,998 alleles (0.000083%); highest among the groups gnomAD compares: Non-Finnish European, 0.00011%; no homozygotes.

Submissions (4):

PreventionGenetics, part of Exact Sciences
Classification: Likely pathogenic for GPR143-related condition. Last evaluated: 2026-03-17. Review status: criteria provided, single submitter. Criteria: ACMG Guidelines, 2015. Collection method: clinical testing. Allele origin: germline.
Comment: The GPR143 c.394T>C variant is predicted to result in the amino acid substitution p.Trp132Arg. This variant has been reported in three hemizygous individuals from a kindred with ocular albinism (Figure S2A, Roma et al. 2007. PubMed ID: 17822861). This variant is absent in a large population database (gnomAD), indicating this variant is rare. This variant is interpreted as likely pathogenic.

GeneDx
Classification: Pathogenic. Last evaluated: 2025-06-23. Review status: criteria provided, single submitter. Criteria: GeneDx Variant Classification Process June 2021. Collection method: clinical testing. Allele origin: germline. Affected: yes.
Comment: Not observed at significant frequency in large population cohorts (gnomAD); In silico analysis supports that this missense variant has a deleterious effect on protein structure/function; This variant is associated with the following publications: (PMID: 17822861)

Labcorp Genetics (formerly Invitae), Labcorp
Classification: Pathogenic. Last evaluated: 2025-05-12. Review status: criteria provided, single submitter. Criteria: Invitae Variant Classification Sherloc (09022015). Collection method: clinical testing. Allele origin: germline.
Comment: This sequence change replaces tryptophan, which is neutral and slightly polar, with arginine, which is basic and polar, at codon 132 of the GPR143 protein (p.Trp132Arg). This variant is not present in population databases (gnomAD no frequency). This missense change has been observed in individuals with congenital nystagmus and/or ocular albinism (PMID: 17822861; internal data). ClinVar contains an entry for this variant (Variation ID: 1202474). Invitae Evidence Modeling of protein sequence and biophysical properties (such as structural, functional, and spatial information, amino acid conservation, physicochemical variation, residue mobility, and thermodynamic stability) indicates that this missense variant is expected to disrupt GPR143 protein function with a positive predictive value of 95%. For these reasons, this variant has been classified as Pathogenic.

Blueprint Genetics
Classification: Likely pathogenic for GPR143-related disorders. Last evaluated: 2022-08-04. Review status: criteria provided, single submitter. Criteria: ACMG Guidelines, 2015. Collection method: clinical testing. Allele origin: germline. Affected: yes. Observed: 2 variant alleles.

Literature cited by the submitters: PubMed 17822861 (cited by Labcorp Genetics (formerly Invitae), Labcorp).

NM_000273.3(GPR143):c.394T>C (p.Trp132Arg)

Gene: GPR143 (G protein-coupled receptor 143; minus strand). Cytogenetic location: Xp22.2.
Variant type: single nucleotide variant.
Coding change: c.394T>C on transcript NM_000273.3 (MANE Select); coding-DNA position 394, T replaced by C.
Protein change: p.Trp132Arg; replaces tryptophan 132 with arginine.
Molecular consequence: missense variant.
Genome position (GRCh38, 1-based): chrX:9,759,393, A>G on the plus strand (T>C on the coding strand, the complement: GPR143 is on the minus strand). VCF-style: chrX-9759393-A-G. GRCh37 (hg19) VCF-style: chrX-9727433-A-G.
Other names: short protein forms W132R.
Identifiers: ClinVar variation 1202474 (VCV001202474.13), dbSNP rs2146699615, ClinGen allele CA411998933.